The following is an entry in ClinVar:

NM_005732.4(RAD50):c.1636G>A (p.Ala546Thr)

Gene: RAD50 (RAD50 double strand break repair protein; plus strand). Cytogenetic location: 5q31.1.
Variant type: single nucleotide variant.
Coding change: c.1636G>A on transcript NM_005732.4 (MANE Select); coding-DNA position 1636, G replaced by A.
Protein change: p.Ala546Thr; replaces alanine 546 with threonine.
Molecular consequence: missense variant.
Genome position (GRCh38, 1-based): chr5:132,591,877, G>A. VCF-style: chr5-132591877-G-A. GRCh37 (hg19) VCF-style: chr5-131927569-G-A.
Other names: short protein forms A546T.
Identifiers: ClinVar variation 186938 (VCV000186938.15), dbSNP rs760787160, ClinGen allele CA196289.

ClinVar aggregate classification (germline): Uncertain significance. Review status: criteria provided, multiple submitters, no conflicts (2 of 4 stars). 3 submissions from 3 submitters: Uncertain significance (3). Last evaluated 2025-01-27.

Conditions:
Hereditary cancer-predisposing syndrome. Also called: Neoplastic Syndromes, Hereditary; Tumor predisposition; Hereditary Cancer Syndrome; Hereditary neoplastic syndrome. Identifiers: Orphanet 140162, MedGen C0027672, MeSH D009386, MONDO:0015356.

Allele frequency attached by ClinVar (database versions not stated): TOPMed 0.00002; gnomAD exomes 0.00003 and 0.00006; ExAC 0.00007.
gnomAD v4.1: 15 of 1,593,114 alleles (0.00094%); highest among the groups gnomAD compares: Admixed American, 0.023%; no homozygotes.

Submissions (3):

Labcorp Genetics (formerly Invitae), Labcorp
Classification: Uncertain significance for Hereditary cancer-predisposing syndrome. Last evaluated: 2025-01-27. Review status: criteria provided, single submitter. Criteria: Invitae Variant Classification Sherloc (09022015). Collection method: clinical testing. Allele origin: germline.
Comment: This sequence change replaces alanine, which is neutral and non-polar, with threonine, which is neutral and polar, at codon 546 of the RAD50 protein (p.Ala546Thr). This variant is present in population databases (rs760787160, gnomAD 0.04%). This missense change has been observed in individual(s) with Nijmegen breakage syndrome-like disorder (PMID: 33057194, 35982159). ClinVar contains an entry for this variant (Variation ID: 186938). An algorithm developed to predict the effect of missense changes on protein structure and function outputs the following: PolyPhen-2: "Benign". The threonine amino acid residue is found in multiple mammalian species, which suggests that this missense change does not adversely affect protein function. In summary, the available evidence is currently insufficient to determine the role of this variant in disease. Therefore, it has been classified as a Variant of Uncertain Significance.

Quest Diagnostics Nichols Institute San Juan Capistrano
Classification: Uncertain significance. Last evaluated: 2024-12-05. Review status: criteria provided, single submitter. Criteria: Quest Diagnostics criteria. Collection method: clinical testing. Allele origin: unknown.
Comment: The RAD50 c.1636G>A (p.Ala546Thr) variant has been observed in an individual with autism/developmental disorder (PMIDs: 35982159 (2022), 33057194 (2020)). To the best of our knowledge, this variant has not been reported in individuals with RAD50-related disorders. The frequency of this variant in the general population (Genome Aggregation Database) is uninformative in the assessment of its pathogenicity. Analysis of this variant using bioinformatics tools for the prediction of the effect of amino acid changes on protein structure and function yielded predictions that this variant is benign. Based on the available information, we are unable to determine the clinical significance of this variant.

Ambry Genetics
Classification: Uncertain significance for Hereditary cancer-predisposing syndrome. Last evaluated: 2023-12-22. Review status: criteria provided, single submitter. Criteria: Ambry Variant Classification Scheme 2023. Collection method: clinical testing. Allele origin: germline.
Comment: The p.A546T variant (also known as c.1636G>A) located in coding exon 11 of the RAD50 gene results from a G to A substitution at nucleotide position 1636. This variant impacts the first base pair of coding exon 11. The alanine at codon 546 is replaced by threonine, an amino acid with similar properties. This amino acid position is not well conserved in available vertebrate species, and threonine is the reference amino acid in other vertebrate species. In addition, this alteration is predicted to be tolerated by in silico analysis. Since supporting evidence is limited at this time, the clinical significance of this alteration remains unclear.

Literature cited by the submitters: PubMed 33057194 (cited by Labcorp Genetics (formerly Invitae), Labcorp and Quest Diagnostics Nichols Institute San Juan Capistrano); PubMed 35982159 (cited by Labcorp Genetics (formerly Invitae), Labcorp and Quest Diagnostics Nichols Institute San Juan Capistrano).